The following is an entry in ClinVar:

NM_000053.4(ATP7B):c.3854G>A (p.Gly1285Asp)

Gene: ATP7B (ATPase copper transporting beta; minus strand). Cytogenetic location: 13q14.3.
Variant type: single nucleotide variant.
Coding change: c.3854G>A on transcript NM_000053.4 (MANE Select); coding-DNA position 3854, G replaced by A.
Protein change: p.Gly1285Asp; replaces glycine 1285 with aspartic acid.
Molecular consequence: missense variant. On other transcripts: intron variant (1).
Genome position (GRCh38, 1-based): chr13:51,937,525, C>T on the plus strand (G>A on the coding strand, the complement: ATP7B is on the minus strand). VCF-style: chr13-51937525-C-T. GRCh37 (hg19) VCF-style: chr13-52511661-C-T.
Other names: c.3233G>A, p.Gly1078Asp (NM_001005918.3); c.3521G>A, p.Gly1174Asp (NM_001243182.2); c.3620G>A, p.Gly1207Asp (NM_001330578.2, NM_001406527.1, NM_001406528.1); c.3602G>A, p.Gly1201Asp (NM_001330579.2, NM_001406531.1, NM_001406532.1); c.3854G>A, p.Gly1285Asp (NM_001406511.1, NM_001406512.1); c.3848G>A, p.Gly1283Asp (NM_001406513.1); c.3821G>A, p.Gly1274Asp (NM_001406514.1); c.3800G>A, p.Gly1267Asp (NM_001406515.1, NM_001406516.1); and 21 more; short protein forms G1004D, G1058D, G1174D, G1201D, G1224D, G1237D, G1253D, G1274D.
Identifiers: ClinVar variation 5003319 (VCV005003319.1).

ClinVar aggregate classification (germline): Uncertain significance (1 of 4 stars; one submission).

Conditions:
Wilson disease (WND). Also called: Wilson's disease. Identifiers: Orphanet 905, MedGen C0019202, MONDO:0010200, OMIM 277900. Disease mechanism: loss of function.

Submission:

Myriad Genetics, Inc.
Classification: Uncertain significance for Wilson disease. Last evaluated: 2025-08-06. Review status: criteria provided, single submitter. Criteria: Myriad Autosomal Dominant, Autosomal Recessive and X-Linked Classification Criteria (2023). Collection method: clinical testing. Allele origin: unknown.
Comment: NM_000053.3(ATP7B):c.3854G>A(G1285D) is a missense variant classified as a variant of uncertain significance in the context of Wilson disease. G1285D has been observed in a case with relevant disease (PMID: 35220961). Relevant functional assessments of this variant are not available in the literature. G1285D has not been observed in referenced population frequency databases. In summary, there is insufficient evidence to classify NM_000053.3(ATP7B):c.3854G>A(G1285D) as pathogenic or benign. Please note: this variant was assessed in the context of healthy population screening.

Literature cited by the submitters: PubMed 35220961.